The following is an entry in ClinVar:

NM_020975.6(RET):c.1871A>G (p.Asp624Gly)

Gene: RET (ret proto-oncogene; plus strand). Cytogenetic location: 10q11.21.
Variant type: single nucleotide variant.
Coding change: c.1871A>G on transcript NM_020975.6 (MANE Select); coding-DNA position 1871, A replaced by G.
Protein change: p.Asp624Gly; replaces aspartic acid 624 with glycine.
Molecular consequence: missense variant.
Genome position (GRCh38, 1-based): chr10:43,113,667, A>G. VCF-style: chr10-43113667-A-G. GRCh37 (hg19) VCF-style: chr10-43609115-A-G.
Other names: c.974A>G, p.Asp325Gly (NM_001406787.1, NM_001406779.1, NM_001406780.1 and 2 more transcripts); c.686A>G, p.Asp229Gly (NM_001406788.1, NM_001406789.1, NM_001406790.1); c.422A>G, p.Asp141Gly (NM_001406792.1, NM_001406793.1, NM_001406794.1); c.1871A>G, p.Asp624Gly (NM_020629.2, NM_020630.7, NM_000323.2 and 6 more transcripts); c.1109A>G, p.Asp370Gly (NM_001355216.2); c.1742A>G, p.Asp581Gly (NM_001406761.1, NM_001406762.1, NM_001406764.1 and 1 more transcripts); c.1583A>G, p.Asp528Gly (NM_001406766.1, NM_001406767.1, NM_001406770.1); c.1475A>G, p.Asp492Gly (NM_001406769.1, NM_001406772.1); and 5 more; short protein forms D624G, D370G, D229G, D325G, D382G, D492G, D528G, D141G.
Identifiers: ClinVar variation 477329 (VCV000477329.14), dbSNP rs1224456563, ClinGen allele CA376552849.

ClinVar aggregate classification (germline): Uncertain significance. Review status: criteria provided, multiple submitters, no conflicts (2 of 4 stars). 4 submissions from 4 submitters: Uncertain significance (4). Last evaluated 2025-12-02.

Conditions:
Hereditary cancer-predisposing syndrome. Also called: Neoplastic Syndromes, Hereditary; Hereditary Cancer Syndrome; Hereditary neoplastic syndrome; Tumor predisposition. Identifiers: Orphanet 140162, MedGen C0027672, MeSH D009386, MONDO:0015356.
Multiple endocrine neoplasia, type 2 (MEN2). Identifiers: Orphanet 653, MedGen C4048306, MONDO:0019003. Disease mechanism: gain of function.

Allele frequency attached by ClinVar (database versions not stated): gnomAD exomes below 0.00001; gnomAD 0.00001; TOPMed 0.00001.
gnomAD v4.1: 2 of 1,613,182 alleles (0.00012%); highest among the groups gnomAD compares: African/African-American, 0.0027%; no homozygotes.

Submissions (4):

Labcorp Genetics (formerly Invitae), Labcorp
Classification: Uncertain significance for Multiple endocrine neoplasia, type 2. Last evaluated: 2025-12-02. Review status: criteria provided, single submitter. Criteria: Invitae Variant Classification Sherloc (09022015). Collection method: clinical testing. Allele origin: germline.
Comment: This sequence change replaces aspartic acid, which is acidic and polar, with glycine, which is neutral and non-polar, at codon 624 of the RET protein (p.Asp624Gly). This variant is not present in population databases (gnomAD no frequency). This variant has not been reported in the literature in individuals affected with RET-related conditions. ClinVar contains an entry for this variant (Variation ID: 477329). An algorithm developed to predict the effect of missense changes on protein structure and function (PolyPhen-2) suggests that this variant is likely to be disruptive. In summary, the available evidence is currently insufficient to determine the role of this variant in disease. Therefore, it has been classified as a Variant of Uncertain Significance.

GeneDx
Classification: Uncertain significance. Last evaluated: 2025-08-10. Review status: criteria provided, single submitter. Criteria: GeneDx Variant Classification Process June 2021. Collection method: clinical testing. Allele origin: germline. Affected: yes.
Comment: Not observed at significant frequency in large population cohorts (gnomAD); In silico analysis supports that this missense variant has a deleterious effect on protein structure/function; Has not been previously published as pathogenic or benign to our knowledge; This variant is associated with the following publications: (PMID: 14633923)

Ambry Genetics
Classification: Uncertain significance for Hereditary cancer-predisposing syndrome. Last evaluated: 2024-02-20. Review status: criteria provided, single submitter. Criteria: Ambry Variant Classification Scheme 2023. Collection method: clinical testing. Allele origin: germline.
Comment: The p.D624G variant (also known as c.1871A>G), located in coding exon 10 of the RET gene, results from an A to G substitution at nucleotide position 1871. The aspartic acid at codon 624 is replaced by glycine, an amino acid with similar properties. This amino acid position is well conserved in available vertebrate species. In addition, the in silico prediction for this alteration is inconclusive. Since supporting evidence is limited at this time, the clinical significance of this alteration remains unclear.

All of Us Research Program, National Institutes of Health
Classification: Uncertain significance for Multiple endocrine neoplasia, type 2. Last evaluated: 2023-06-26. Review status: criteria provided, single submitter. Criteria: ACMG Guidelines, 2015. Collection method: clinical testing. Allele origin: germline. Inheritance: Autosomal dominant inheritance. Observed: 1 variant allele, 1 heterozygote.
Comment: This missense variant replaces aspartic acid with glycine at codon 624 of the RET protein. Computational prediction is inconclusive regarding the impact of this variant on protein structure and function (internally defined REVEL score threshold 0.5 < inconclusive < 0.7, PMID: 27666373). To our knowledge, functional studies have not been reported for this variant. This variant has not been reported in individuals affected with RET-related disorders in the literature. This variant has not been identified in the general population by the Genome Aggregation Database (gnomAD). The available evidence is insufficient to determine the role of this variant in disease conclusively. Therefore, this variant is classified as a Variant of Uncertain Significance.

This study involves interpretation of variants in research participants for the purpose of population health screening. Participant phenotype was not available at the time of variant classification. Additional details can be found in publication PMID: 35346344, PMCID: PMC8962531